The following is an entry in ClinVar:

ClinVar aggregate classification (germline): Benign/Likely benign. Review status: criteria provided, multiple submitters, no conflicts (2 of 4 stars). 10 submissions from 10 submitters: Benign (4); Likely benign (3). 3 of the submissions do not count toward it. Last evaluated 2026-02-02.

Conditions:
Zellweger spectrum disorders (ZS). Also called: Zellweger syndrome; Zellweger Spectrum Disorder (ZSD); Zellweger Spectrum Disorder; Zellweger Spectrum. Identifiers: Orphanet 912, MedGen C0043459, MONDO:0019609.
Peroxisome biogenesis disorder 1A (Zellweger) (PBD1A). Also called: Peroxisome biogenesis disorder 1a; Zellweger leukodystrophy. Identifiers: MedGen C4721541, MONDO:0008953, OMIM 214100.

Allele frequency attached by ClinVar (database versions not stated): 1000 Genomes Project 0.00839; 1000 Genomes Project 30x 0.00921; gnomAD exomes 0.01189 and 0.01594; ESP Exome Variant Server 0.01192; TOPMed 0.01211; gnomAD 0.01244 and 0.01312; ExAC 0.01254.
gnomAD v4.1: 25,076 of 1,612,494 alleles (1.6%); highest among the groups gnomAD compares: Non-Finnish European, 1.9%; 230 homozygotes.

Submissions (10):

Labcorp Genetics (formerly Invitae), Labcorp
Classification: Benign for Zellweger spectrum disorders. Last evaluated: 2026-02-02. Review status: criteria provided, single submitter. Criteria: Invitae Variant Classification Sherloc (09022015). Collection method: clinical testing. Allele origin: germline.

Mayo Clinic Laboratories, Mayo Clinic
Classification: Benign. Last evaluated: 2024-12-10. Review status: criteria provided, single submitter. Criteria: ACMG Guidelines, 2015. Collection method: clinical testing. Allele origin: germline. Observed: 38 variant alleles.
Comment: BS1, BS2, BP4, BP7

GeneDx
Classification: Likely benign. Last evaluated: 2021-03-25. Review status: criteria provided, single submitter. Criteria: GeneDx Variant Classification Process June 2021. Collection method: clinical testing. Allele origin: germline. Affected: yes.

Athena Diagnostics
Classification: Benign. Last evaluated: 2018-08-31. Review status: criteria provided, single submitter. Criteria: Athena Diagnostics Criteria. Collection method: clinical testing. Allele origin: germline.

Illumina Laboratory Services, Illumina
Classification: Likely benign for Peroxisome biogenesis disorder 1A (Zellweger). Last evaluated: 2018-01-13. Review status: criteria provided, single submitter. Criteria: ICSL Variant Classification Criteria 13 December 2019. Collection method: clinical testing. Allele origin: germline.
Comment: This variant was observed in the ICSL laboratory as part of a predisposition screen in an ostensibly healthy population. It had not been previously curated by ICSL or reported in the Human Gene Mutation Database (HGMD: prior to June 1st, 2018), and was therefore a candidate for classification through an automated scoring system. Utilizing variant allele frequency, disease prevalence and penetrance estimates, and inheritance mode, an automated score was calculated to assess if this variant is too frequent to cause the disease. Based on the score and internal cut-off values, a variant classified as likely benign is not then subjected to further curation. The score for this variant resulted in a classification of likely benign for this disease.

Breakthrough Genomics
Classification: Likely benign. Review status: criteria provided, single submitter. Criteria: ACMG Guidelines, 2015. Collection method: not provided. Allele origin: germline. Inheritance: Autosomal recessive inheritance. Affected: yes.

PreventionGenetics, part of Exact Sciences
Classification: Benign. Review status: criteria provided, single submitter. Criteria: ACMG Guidelines, 2015. Collection method: clinical testing. Allele origin: germline.

Natera, Inc.
Classification: Benign for Zellweger syndrome. Last evaluated: 2017-05-11. Review status: no assertion criteria provided. Collection method: clinical testing. Allele origin: germline. Not counted in ClinVar's aggregate classification.

Clinical Genetics DNA and cytogenetics Diagnostics Lab, Erasmus MC, Erasmus Medical Center
Classification: Likely benign. Review status: no assertion criteria provided. Collection method: clinical testing. Allele origin: germline. Affected: yes. Study: VKGL Data-share Consensus. Not counted in ClinVar's aggregate classification.

Clinical Genetics, Academic Medical Center
Classification: Benign. Review status: no assertion criteria provided. Collection method: clinical testing. Allele origin: germline. Affected: yes. Study: VKGL Data-share Consensus. Not counted in ClinVar's aggregate classification.

NM_000466.3(PEX1):c.1671-7T>C

Gene: PEX1 (peroxisomal biogenesis factor 1; minus strand). Cytogenetic location: 7q21.2.
Variant type: single nucleotide variant.
Coding change: c.1671-7T>C on transcript NM_000466.3 (MANE Select); 7 bases into the intron before coding-DNA position 1671, T replaced by C.
Molecular consequence: intron variant.
Genome position (GRCh38, 1-based): chr7:92,507,133, A>G on the plus strand (T>C on the coding strand, the complement: PEX1 is on the minus strand). VCF-style: chr7-92507133-A-G. GRCh37 (hg19) VCF-style: chr7-92136447-A-G.
Other names: p.?; c.1671-7T>C (NM_001282677.2); c.1047-7T>C (NM_001282678.2).
Identifiers: ClinVar variation 256218 (VCV000256218.25), dbSNP rs74519968, ClinGen allele CA4341325.
Genomic context (GRCh38, chr7:92,507,133, plus strand): 5'-AGGAGGCTGTGAGTGATGTGCTCCAAGGAGGATACGCCTAAGGAATTCACTCCTCTGTAA[A>G]AAATATACATAGTTACATGATAAAAGACTGAAGCAGGATAAAATTTAGCTATAAAAAAAT-3'